The following is an entry in ClinVar:

ClinVar aggregate classification (germline): Uncertain significance (1 of 4 stars; one submission).

Submission:

GeneDx
Classification: Uncertain significance. Last evaluated: 2026-03-20. Review status: criteria provided, single submitter. Criteria: GeneDx Variant Classification Process June 2021. Collection method: clinical testing. Allele origin: germline.
Comment: Not observed at significant frequency in large population cohorts (gnomAD); In silico analysis suggests that this missense variant does not alter protein structure/function; Has not been previously published as pathogenic or benign to our knowledge

NM_001379451.1(BCORL1):c.2656G>A (p.Glu886Lys)

Gene: BCORL1 (BCL6 corepressor like 1; plus strand). Cytogenetic location: Xq26.1.
Variant type: single nucleotide variant.
Coding change: c.2656G>A on transcript NM_001379451.1 (MANE Select); coding-DNA position 2656, G replaced by A.
Protein change: p.Glu886Lys; replaces glutamic acid 886 with lysine.
Molecular consequence: missense variant.
Genome position (GRCh38, 1-based): chrX:130,015,428, G>A. VCF-style: chrX-130015428-G-A. GRCh37 (hg19) VCF-style: chrX-129149404-G-A.
Other names: c.2656G>A, p.Glu886Lys (NM_001184772.3, NM_001379450.1, NM_001441326.1 and 7 more transcripts); short protein forms E886K.
Identifiers: ClinVar variation 5009446 (VCV005009446.1).